The following is an entry in ClinVar:

NM_001134831.2(AHI1):c.135+9A>G

Gene: AHI1 (Abelson helper integration site 1; minus strand). Cytogenetic location: 6q23.3.
Variant type: single nucleotide variant.
Coding change: c.135+9A>G on transcript NM_001134831.2 (MANE Select); 9 bases into the intron after coding-DNA position 135, A replaced by G.
Molecular consequence: intron variant.
Genome position (GRCh38, 1-based): chr6:135,490,614, T>C on the plus strand (A>G on the coding strand, the complement: AHI1 is on the minus strand). VCF-style: chr6-135490614-T-C. GRCh37 (hg19) VCF-style: chr6-135811752-T-C.
Other names: c.135+9A>G (NM_001134830.2, NM_001350503.2, NM_017651.5 and 2 more transcripts).
Identifiers: ClinVar variation 2091409 (VCV002091409.1), dbSNP rs1795120690, ClinGen allele CA1665947049.

ClinVar aggregate classification (germline): Uncertain significance (1 of 4 stars; one submission).

Conditions:
Joubert syndrome. Also called: CEREBELLOPARENCHYMAL DISORDER IV; JOUBERT-BOLTSHAUSER SYNDROME; Familial aplasia of the vermis. Identifiers: Orphanet 475, MedGen C5979921, MONDO:0018772.

Allele frequency attached by ClinVar (database versions not stated): gnomAD exomes below 0.00001; TOPMed 0.00001.
gnomAD v4.1: 1 of 1,613,588 alleles (0.000062%); highest among the groups gnomAD compares: Non-Finnish European, 0.000085%; no homozygotes.

Submission:

Labcorp Genetics (formerly Invitae), Labcorp
Classification: Uncertain significance for Joubert syndrome. Last evaluated: 2022-06-10. Review status: criteria provided, single submitter. Criteria: Invitae Variant Classification Sherloc (09022015). Collection method: clinical testing. Allele origin: germline.
Comment: This sequence change falls in intron 4 of the AHI1 gene. It does not directly change the encoded amino acid sequence of the AHI1 protein. This variant is not present in population databases (gnomAD no frequency). This variant has not been reported in the literature in individuals affected with AHI1-related conditions. Algorithms developed to predict the effect of sequence changes on RNA splicing suggest that this variant may create or strengthen a splice site. In summary, the available evidence is currently insufficient to determine the role of this variant in disease. Therefore, it has been classified as a Variant of Uncertain Significance.